The following is an entry in ClinVar:

ClinVar aggregate classification (germline): Uncertain significance. Review status: criteria provided, multiple submitters, no conflicts (2 of 4 stars). 2 submissions from 2 submitters: Uncertain significance (2). Last evaluated 2025-08-20.

gnomAD v4.1: 1 of 1,613,800 alleles (0.000062%); highest among the groups gnomAD compares: Non-Finnish European, 0.000085%; no homozygotes.

Submissions (2):

Labcorp Genetics (formerly Invitae), Labcorp
Classification: Uncertain significance. Last evaluated: 2025-08-20. Review status: criteria provided, single submitter. Criteria: Invitae Variant Classification Sherloc (09022015). Collection method: clinical testing. Allele origin: germline.
Comment: This sequence change replaces glycine, which is neutral and non-polar, with aspartic acid, which is acidic and polar, at codon 426 of the COL4A1 protein (p.Gly426Asp). This variant is not present in population databases (gnomAD no frequency). This variant has not been reported in the literature in individuals affected with COL4A1-related conditions. ClinVar contains an entry for this variant (Variation ID: 3625023). Invitae Evidence Modeling of protein sequence and biophysical properties (such as structural, functional, and spatial information, amino acid conservation, physicochemical variation, residue mobility, and thermodynamic stability) indicates that this missense variant is not expected to disrupt COL4A1 protein function with a negative predictive value of 95%. In summary, the available evidence is currently insufficient to determine the role of this variant in disease. Therefore, it has been classified as a Variant of Uncertain Significance.

GeneDx
Classification: Uncertain significance. Last evaluated: 2025-02-11. Review status: criteria provided, single submitter. Criteria: GeneDx Variant Classification Process June 2021. Collection method: clinical testing. Allele origin: germline. Affected: yes.
Comment: Not observed at significant frequency in large population cohorts (gnomAD); In silico analysis supports that this missense variant has a deleterious effect on protein structure/function; Has not been previously published as pathogenic or benign to our knowledge

NM_001845.6(COL4A1):c.1277G>A (p.Gly426Asp)

Gene: COL4A1 (collagen type IV alpha 1 chain; minus strand). Cytogenetic location: 13q34.
Variant type: single nucleotide variant.
Coding change: c.1277G>A on transcript NM_001845.6 (MANE Select); coding-DNA position 1277, G replaced by A.
Protein change: p.Gly426Asp; replaces glycine 426 with aspartic acid.
Molecular consequence: missense variant.
Genome position (GRCh38, 1-based): chr13:110,198,475, C>T on the plus strand (G>A on the coding strand, the complement: COL4A1 is on the minus strand). VCF-style: chr13-110198475-C-T. GRCh37 (hg19) VCF-style: chr13-110850822-C-T.
Other names: c.1277G>A, p.Gly426Asp (NM_001303110.2); c.1277G>A (NM_001845.4); short protein forms G426D.
Identifiers: ClinVar variation 3625023 (VCV003625023.3).